The following is an entry in ClinVar:

NM_080680.3(COL11A2):c.2069C>T (p.Pro690Leu)

Gene: COL11A2 (collagen type XI alpha 2 chain; minus strand). Cytogenetic location: 6p21.32.
Variant type: single nucleotide variant.
Coding change: c.2069C>T on transcript NM_080680.3 (MANE Select); coding-DNA position 2069, C replaced by T.
Protein change: p.Pro690Leu; replaces proline 690 with leucine.
Molecular consequence: missense variant.
Genome position (GRCh38, 1-based): chr6:33,176,993, G>A on the plus strand (C>T on the coding strand, the complement: COL11A2 is on the minus strand). VCF-style: chr6-33176993-G-A. GRCh37 (hg19) VCF-style: chr6-33144770-G-A.
Other names: c.1748C>T, p.Pro583Leu (NM_080679.3); c.1811C>T, p.Pro604Leu (NM_080681.3); short protein forms P690L, P583L, P604L.
Identifiers: ClinVar variation 426976 (VCV000426976.10), dbSNP rs144992893, ClinGen allele CA3751062.

ClinVar aggregate classification (germline): Uncertain significance. Review status: criteria provided, multiple submitters, no conflicts (2 of 4 stars). 3 submissions from 3 submitters: Uncertain significance (2). 1 of the submissions does not count toward it. Last evaluated 2026-02-01.

Conditions:
COL11A2-related disorder. Also called: COL11A2-related disorders; COL11A2-related condition.

Allele frequency attached by ClinVar (database versions not stated): ExAC 0.00007; 1000 Genomes Project 30x 0.00016; TOPMed 0.00008; gnomAD 0.00004; 1000 Genomes Project 0.00020.
gnomAD v4.1: 37 of 1,610,670 alleles (0.0023%); highest among the groups gnomAD compares: Admixed American, 0.025%; no homozygotes.

Submissions (3):

Labcorp Genetics (formerly Invitae), Labcorp
Classification: Uncertain significance. Last evaluated: 2026-02-01. Review status: criteria provided, single submitter. Criteria: Invitae Variant Classification Sherloc (09022015). Collection method: clinical testing. Allele origin: germline.
Comment: This sequence change replaces proline, which is neutral and non-polar, with leucine, which is neutral and non-polar, at codon 690 of the COL11A2 protein (p.Pro690Leu). This variant is present in population databases (rs144992893, gnomAD 0.02%). This missense change has been observed in individual(s) with deafness and/or syndromic joint hypermobility (PMID: 34515852, 37079061). ClinVar contains an entry for this variant (Variation ID: 426976). An algorithm developed to predict the effect of missense changes on protein structure and function (PolyPhen-2) suggests that this variant is likely to be disruptive. In summary, the available evidence is currently insufficient to determine the role of this variant in disease. Therefore, it has been classified as a Variant of Uncertain Significance.

GeneDx
Classification: Uncertain significance. Last evaluated: 2019-11-27. Review status: criteria provided, single submitter. Criteria: GeneDx Variant Classification Process June 2021. Collection method: clinical testing. Allele origin: germline. Affected: yes.
Comment: In silico analysis, which includes protein predictors and evolutionary conservation, supports a deleterious effect; Has not been previously published as pathogenic or benign to our knowledge

PreventionGenetics, part of Exact Sciences
Classification: Uncertain significance for COL11A2-related condition. Last evaluated: 2024-08-11. Review status: no assertion criteria provided. Collection method: clinical testing. Allele origin: germline. Not counted in ClinVar's aggregate classification.
Comment: The COL11A2 c.2069C>T variant is predicted to result in the amino acid substitution p.Pro690Leu. This variant was reported in an individual with joint hypermobility (Supplemental File 3, Leone et al. 2023. PubMed ID: 37079061) and sensorineural hearing loss (Supplementary Table, Florentine et al. 2021. PubMed ID: 34515852). This variant is reported in 0.023% of alleles in individuals of Latino descent in gnomAD. At this time, the clinical significance of this variant is uncertain due to the absence of conclusive functional and genetic evidence.

Literature cited by the submitters: PubMed 34515852 (cited by Labcorp Genetics (formerly Invitae), Labcorp); PubMed 37079061 (cited by Labcorp Genetics (formerly Invitae), Labcorp).